The following is an entry in ClinVar:

NM_177986.5(DSG4):c.1198G>A (p.Gly400Arg)

Genes: DSG1-AS1 (DSG1 antisense RNA 1; minus strand), DSG4 (desmoglein 4; plus strand). Cytogenetic location: 18q12.1.
Variant type: single nucleotide variant.
Coding change: c.1198G>A on transcript NM_177986.5 (MANE Select); coding-DNA position 1198, G replaced by A.
Protein change: p.Gly400Arg; replaces glycine 400 with arginine.
Molecular consequence: missense variant.
Genome position (GRCh38, 1-based): chr18:31,399,464, G>A. VCF-style: chr18-31399464-G-A. GRCh37 (hg19) VCF-style: chr18-28979427-G-A.
Other names: c.1198G>A, p.Gly400Arg (NM_001134453.3); short protein forms G400R.
Identifiers: ClinVar variation 585099 (VCV000585099.16), dbSNP rs35378785, ClinGen allele CA8926937.
Genomic context (GRCh38, chr18:31,399,464, plus strand): 5'-AGAGAAGGACCTGCATTTCATCCAAGTACTATGGCTTTTAGTGTGCGGGAAGGAATAAAA[G>A]GAAGTTCCTTATTGAATTATGTGCTTGGCACATATACAGCCATAGATTTGGACACAGGAA-3'
Protein context (NP_817123.1, residues 390-410): MAFSVREGIK[Gly400Arg]SSLLNYVLGT

ClinVar aggregate classification (germline): Conflicting classifications of pathogenicity. Review status: criteria provided, conflicting classifications (1 of 4 stars). 3 submissions from 3 submitters: Uncertain significance (1); Benign (1). 1 of the submissions does not count toward it. Last evaluated 2026-02-04.

Conditions:
DSG4-related disorder. Also called: DSG4-related condition.
Hypotrichosis 6 (HYPT6). Also called: HYPOTRICHOSIS, LOCALIZED, AUTOSOMAL RECESSIVE 1; MONILETHRIX-LIKE HYPOTRICHOSIS. Identifiers: Orphanet 55654, MedGen C1842839, MONDO:0011932, OMIM 607903.

Allele frequency attached by ClinVar (database versions not stated): gnomAD exomes 0.00312 and 0.00459; gnomAD 0.00362 and 0.00387; TOPMed 0.00425; ExAC 0.00432; 1000 Genomes Project 0.00439; 1000 Genomes Project 30x 0.00468; ESP Exome Variant Server 0.00500.
gnomAD v4.1: 5,363 of 1,614,056 alleles (0.33%); highest among the groups gnomAD compares: Middle Eastern, 2.1%; 52 homozygotes.

Submissions (3):

Labcorp Genetics (formerly Invitae), Labcorp
Classification: Benign. Last evaluated: 2026-02-04. Review status: criteria provided, single submitter. Criteria: Invitae Variant Classification Sherloc (09022015). Collection method: clinical testing. Allele origin: germline.

Illumina Laboratory Services, Illumina
Classification: Uncertain significance for Hypotrichosis 6. Last evaluated: 2017-04-27. Review status: criteria provided, single submitter. Criteria: ICSL Variant Classification Criteria 13 December 2019. Collection method: clinical testing. Allele origin: germline.

PreventionGenetics, part of Exact Sciences
Classification: Benign for DSG4-related condition. Last evaluated: 2019-07-23. Review status: no assertion criteria provided. Collection method: clinical testing. Allele origin: germline. Not counted in ClinVar's aggregate classification.
Comment: This variant is classified as benign based on ACMG/AMP sequence variant interpretation guidelines (Richards et al. 2015 PMID: 25741868, with internal and published modifications).